The following is an entry in ClinVar:

ClinVar aggregate classification (germline): Uncertain significance (1 of 4 stars; one submission).

Conditions:
Emery-Dreifuss muscular dystrophy 5, autosomal dominant (EDMD5). Also called: EMERY-DREIFUSS MUSCULAR DYSTROPHY 5. Identifiers: Orphanet 261, MedGen C2751805, MONDO:0013072, OMIM 612999.

Allele frequency attached by ClinVar (database versions not stated): ExAC 0.00001.
gnomAD v4.1: 1 of 1,614,116 alleles (0.000062%); highest among the groups gnomAD compares: South Asian, 0.0011%; no homozygotes.

Submission:

Labcorp Genetics (formerly Invitae), Labcorp
Classification: Uncertain significance for Emery-Dreifuss muscular dystrophy 5, autosomal dominant. Last evaluated: 2024-10-24. Review status: criteria provided, single submitter. Criteria: Invitae Variant Classification Sherloc (09022015). Collection method: clinical testing. Allele origin: germline.
Comment: This sequence change replaces threonine, which is neutral and polar, with serine, which is neutral and polar, at codon 5707 of the SYNE2 protein (p.Thr5707Ser). This variant is not present in population databases (gnomAD no frequency). This variant has not been reported in the literature in individuals affected with SYNE2-related conditions. An algorithm developed to predict the effect of missense changes on protein structure and function outputs the following: PolyPhen-2: "Benign". The serine amino acid residue is found in multiple mammalian species, which suggests that this missense change does not adversely affect protein function. In summary, the available evidence is currently insufficient to determine the role of this variant in disease. Therefore, it has been classified as a Variant of Uncertain Significance.

NM_182914.3(SYNE2):c.17119A>T (p.Thr5707Ser)

Gene: SYNE2 (spectrin repeat containing nuclear envelope protein 2; plus strand). Cytogenetic location: 14q23.2.
Variant type: single nucleotide variant.
Coding change: c.17119A>T on transcript NM_182914.3 (MANE Select); coding-DNA position 17119, A replaced by T.
Protein change: p.Thr5707Ser; replaces threonine 5707 with serine.
Molecular consequence: missense variant.
Genome position (GRCh38, 1-based): chr14:64,170,346, A>T. VCF-style: chr14-64170346-A-T. GRCh37 (hg19) VCF-style: chr14-64637064-A-T.
Other names: c.17119A>T, p.Thr5707Ser (NM_015180.6); short protein forms T5707S.
Identifiers: ClinVar variation 2920007 (VCV002920007.3), dbSNP rs760876695, ClinGen allele CA7223598.